The following is an entry in ClinVar:

NM_003283.6(TNNT1):c.611G>A (p.Arg204Gln)

Gene: TNNT1 (troponin T1, slow skeletal type; minus strand). Cytogenetic location: 19q13.42.
Variant type: single nucleotide variant.
Coding change: c.611G>A on transcript NM_003283.6 (MANE Select); coding-DNA position 611, G replaced by A.
Protein change: p.Arg204Gln; replaces arginine 204 with glutamine.
Molecular consequence: missense variant.
Genome position (GRCh38, 1-based): chr19:55,137,103, C>T on the plus strand (G>A on the coding strand, the complement: TNNT1 is on the minus strand). VCF-style: chr19-55137103-C-T. GRCh37 (hg19) VCF-style: chr19-55648471-C-T.
Other names: c.611G>A, p.Arg204Gln (NM_001126132.3); c.578G>A, p.Arg193Gln (NM_001126133.3, NM_001291774.2); short protein forms R204Q, R193Q.
Identifiers: ClinVar variation 856207 (VCV000856207.11), dbSNP rs765133367, ClinGen allele CA9667359.

ClinVar aggregate classification (germline): Uncertain significance. Review status: criteria provided, multiple submitters, no conflicts (2 of 4 stars). 2 submissions from 2 submitters: Uncertain significance (2). Last evaluated 2023-06-27.

Conditions:
Nemaline myopathy 5 (NEM5A). Also called: NEMALINE MYOPATHY 5A, AUTOSOMAL RECESSIVE, SEVERE INFANTILE; NEMALINE MYOPATHY, AMISH TYPE; Nemaline myopathy 5, Amish type. Identifiers: Orphanet 98902, MedGen C1854380, MONDO:0011539, OMIM 605355.

Allele frequency attached by ClinVar (database versions not stated): ExAC 0.00001; gnomAD 0.00001; gnomAD exomes 0.00001; TOPMed 0.00001.
gnomAD v4.1: 16 of 1,595,330 alleles (0.001%); highest among the groups gnomAD compares: Middle Eastern, 0.017%; no homozygotes.

Submissions (2):

Revvity Omics, Revvity
Classification: Uncertain significance. Last evaluated: 2023-06-27. Review status: criteria provided, single submitter. Criteria: ACMG Guidelines, 2015. Collection method: clinical testing. Allele origin: germline.

Labcorp Genetics (formerly Invitae), Labcorp
Classification: Uncertain significance for Nemaline myopathy 5. Last evaluated: 2022-11-15. Review status: criteria provided, single submitter. Criteria: Invitae Variant Classification Sherloc (09022015). Collection method: clinical testing. Allele origin: germline.
Comment: This sequence change replaces arginine, which is basic and polar, with glutamine, which is neutral and polar, at codon 204 of the TNNT1 protein (p.Arg204Gln). This variant also falls at the last nucleotide of exon 11, which is part of the consensus splice site for this exon. In summary, the available evidence is currently insufficient to determine the role of this variant in disease. Therefore, it has been classified as a Variant of Uncertain Significance. Variants that disrupt the consensus splice site are a relatively common cause of aberrant splicing (PMID: 17576681, 9536098). Algorithms developed to predict the effect of sequence changes on RNA splicing suggest that this variant may create or strengthen a splice site. Algorithms developed to predict the effect of missense changes on protein structure and function are either unavailable or do not agree on the potential impact of this missense change (SIFT: "Deleterious"; PolyPhen-2: "Benign"; Align-GVGD: "Class C0"). ClinVar contains an entry for this variant (Variation ID: 856207). This variant has not been reported in the literature in individuals affected with TNNT1-related conditions. This variant is present in population databases (rs765133367, gnomAD 0.0009%).

Literature cited by the submitters: PubMed 17576681 (cited by Labcorp Genetics (formerly Invitae), Labcorp); PubMed 9536098 (cited by Labcorp Genetics (formerly Invitae), Labcorp).